The following is an entry in ClinVar:

ClinVar aggregate classification (germline): Likely benign (1 of 4 stars; one submission).

Allele frequency attached by ClinVar (database versions not stated): 1000 Genomes Project 30x 0.00021; 1000 Genomes Project 0.00026; ESP Exome Variant Server 0.00057.
gnomAD v4.1: 89 of 1,210,505 alleles (0.0074%); highest among the groups gnomAD compares: African/African-American, 0.14%; no homozygotes.

Submission:

CeGaT Center for Human Genetics Tuebingen
Classification: Likely benign. Last evaluated: 2023-01-01. Review status: criteria provided, single submitter. Criteria: CeGaT Center For Human Genetics Tuebingen Variant Classification Criteria Version 2. Collection method: clinical testing. Allele origin: germline. Affected: yes. Observed: 1 variant allele.
Comment: HS6ST2: BP4, BP7, BS2

NM_001394073.1(HS6ST2):c.687C>T (p.Ile229=)

Gene: HS6ST2 (heparan sulfate 6-O-sulfotransferase 2; minus strand). Cytogenetic location: Xq26.2.
Variant type: single nucleotide variant.
Coding change: c.687C>T on transcript NM_001394073.1 (MANE Select); coding-DNA position 687, C replaced by T.
Protein change: p.Ile229=; no amino-acid change (isoleucine 229 retained).
Molecular consequence: synonymous variant.
Genome position (GRCh38, 1-based): chrX:132,957,068, G>A on the plus strand (C>T on the coding strand, the complement: HS6ST2 is on the minus strand). VCF-style: chrX-132957068-G-A. GRCh37 (hg19) VCF-style: chrX-132091096-G-A.
Other names: c.687C>T, p.Ile229= (NM_001077188.2, NM_001394074.1, NM_147175.4).
Identifiers: ClinVar variation 2661456 (VCV002661456.24), dbSNP rs369040064, ClinGen allele CA10519614.